The following is an entry in ClinVar:

ClinVar aggregate classification (germline): Uncertain significance. Review status: criteria provided, multiple submitters, no conflicts (2 of 4 stars). 3 submissions from 3 submitters: Uncertain significance (3). Last evaluated 2025-10-24.

Conditions:
AMACR-related disorder. Also called: AMACR-related condition; AMACR-Related Disorders.
Inborn genetic diseases. Identifiers: MedGen C0950123, MeSH D030342.
Alpha-methylacyl-CoA racemase deficiency (AMACRD). Also called: AMACR deficiency. Identifiers: Orphanet 79095, MedGen C3280428, MONDO:0013681, OMIM 614307. Disease mechanism: loss of function.

Allele frequency attached by ClinVar (database versions not stated): gnomAD exomes below 0.00001; ExAC 0.00001.
gnomAD v4.1: 2 of 1,614,162 alleles (0.00012%); highest among the groups gnomAD compares: South Asian, 0.0011%; no homozygotes.

Submissions (3):

PreventionGenetics, part of Exact Sciences
Classification: Uncertain significance for AMACR-related condition. Last evaluated: 2025-10-24. Review status: criteria provided, single submitter. Criteria: ACMG Guidelines, 2015. Collection method: clinical testing. Allele origin: germline.
Comment: The AMACR c.253A>G variant is predicted to result in the amino acid substitution p.Met85Val. To our knowledge, this variant has not been reported in the literature. This variant is reported in 0.0033% of alleles in individuals of South Asian descent in gnomAD. At this time, the clinical significance of this variant is uncertain due to the absence of conclusive functional and genetic evidence.

Ambry Genetics
Classification: Uncertain significance for Inborn genetic diseases. Last evaluated: 2025-04-03. Review status: criteria provided, single submitter. Criteria: Ambry Variant Classification Scheme 2023. Collection method: clinical testing. Allele origin: germline.

Labcorp Genetics (formerly Invitae), Labcorp
Classification: Uncertain significance for Alpha-methylacyl-CoA racemase deficiency. Last evaluated: 2022-09-27. Review status: criteria provided, single submitter. Criteria: Invitae Variant Classification Sherloc (09022015). Collection method: clinical testing. Allele origin: germline.
Comment: This variant has not been reported in the literature in individuals affected with AMACR-related conditions. In summary, the available evidence is currently insufficient to determine the role of this variant in disease. Therefore, it has been classified as a Variant of Uncertain Significance. Advanced modeling of protein sequence and biophysical properties (such as structural, functional, and spatial information, amino acid conservation, physicochemical variation, residue mobility, and thermodynamic stability) has been performed at Invitae for this missense variant, however the output from this modeling did not meet the statistical confidence thresholds required to predict the impact of this variant on AMACR protein function. ClinVar contains an entry for this variant (Variation ID: 1469027). This variant is present in population databases (rs746627394, gnomAD 0.003%). This sequence change replaces methionine, which is neutral and non-polar, with valine, which is neutral and non-polar, at codon 85 of the AMACR protein (p.Met85Val).

NM_014324.6(AMACR):c.253A>G (p.Met85Val)

Genes: C1QTNF3-AMACR (C1QTNF3-AMACR readthrough (NMD candidate); minus strand), AMACR (alpha-methylacyl-CoA racemase; minus strand). Cytogenetic location: 5p13.2.
Variant type: single nucleotide variant.
Coding change: c.253A>G on transcript NM_014324.6 (MANE Select); coding-DNA position 253, A replaced by G.
Protein change: p.Met85Val; replaces methionine 85 with valine.
Molecular consequence: missense variant. On other transcripts: non-coding transcript variant (1).
Genome position (GRCh38, 1-based): chr5:34,005,894, T>C on the plus strand (A>G on the coding strand, the complement: AMACR is on the minus strand). VCF-style: chr5-34005894-T-C. GRCh37 (hg19) VCF-style: chr5-34005999-T-C.
Other names: c.253A>G (NM_014324.5); c.253A>G, p.Met85Val (NM_001167595.2, NM_203382.3); short protein forms M85V.
Identifiers: ClinVar variation 1469027 (VCV001469027.8), dbSNP rs746627394, ClinGen allele CA3226251.